The following is an entry in ClinVar:

ClinVar aggregate classification (germline): Pathogenic (1 of 4 stars; one submission).

Conditions:
Glycogen storage disease type X (GSD10). Also called: GSD X; MYOPATHY DUE TO PHOSPHOGLYCERATE MUTASE DEFICIENCY; PGAMM DEFICIENCY; PHOSPHOGLYCERATE MUTASE, MUSCLE, DEFICIENCY OF; Dimauro disease; Glycogen storage disease due to phosphoglycerate mutase deficiency. Identifiers: Orphanet 97234, MedGen C0268149, MONDO:0009865, OMIM 261670.

Submission:

Labcorp Genetics (formerly Invitae), Labcorp
Classification: Pathogenic for Glycogen storage disease type X. Last evaluated: 2025-09-15. Review status: criteria provided, single submitter. Criteria: Invitae Variant Classification Sherloc (09022015). Collection method: clinical testing. Allele origin: germline.
Comment: This sequence change creates a premature translational stop signal (p.Cys55Alafs*6) in the PGAM2 gene. It is expected to result in an absent or disrupted protein product. Loss-of-function variants in PGAM2 are known to be pathogenic (PMID: 8447317, 19273759). This variant is not present in population databases (gnomAD no frequency). This variant has not been reported in the literature in individuals affected with PGAM2-related conditions. For these reasons, this variant has been classified as Pathogenic.

Literature cited by the submitters: PubMed 8447317; PubMed 19273759.

NM_000290.4(PGAM2):c.163del (p.Cys55fs)

Genes: DBNL (drebrin like; plus strand), PGAM2 (phosphoglycerate mutase 2; minus strand). Cytogenetic location: 7p13.
Variant type: Deletion.
Coding change: c.163del on transcript NM_000290.4 (MANE Select); coding-DNA position 163, one base deleted (T; older notation c.163delT).
Protein change: p.Cys55fs; shifts the reading frame from cysteine 55.
Molecular consequence: frameshift variant. On other transcripts: 3 prime UTR variant (6).
Genome position (GRCh38, 1-based): chr7:44,065,367, A deleted on the plus strand (T on the coding strand, the reverse complement: PGAM2 is on the minus strand). VCF-style (leftmost placement, unchanged base first): chr7-44065366-CA-C. GRCh37 (hg19) VCF-style: chr7-44104965-CA-C.
Other names: c.*4451del (NM_001014436.3, NM_001122956.2, NM_001284313.2 and 3 more transcripts); short protein forms C55fs.
Identifiers: ClinVar variation 4805042 (VCV004805042.1).
Genomic context (GRCh38, chr7:44,065,366, plus strand): 5'-TCCGTGCCGTCCAGGATGGCCCAGAGGGTGCGGATGGCCCGCTTCAGCACTGACGTGTAG[CA>C]GATGTCAAACTCCATCTTGGCATCCTTGATGGCCTTGGCTCCCCGCTTGGCCTCCTCGGT-3'